The following is an entry in ClinVar:

ClinVar aggregate classification (germline): Uncertain significance (1 of 4 stars; one submission).

Conditions:
Arrhythmogenic right ventricular dysplasia 10. Also called: ARRHYTHMOGENIC RIGHT VENTRICULAR DYSPLASIA, FAMILIAL, 10; Arrhythmogenic right ventricular dysplasia/cardiomyopathy, type 10; Arrhythmogenic Right Ventricular Dysplasia/Cardiomyopathy10. Identifiers: MedGen C1857777, MONDO:0012434, OMIM 610193.

gnomAD v4.1: 13 of 1,614,046 alleles (0.00081%); highest among the groups gnomAD compares: Non-Finnish European, 0.0011%; no homozygotes.

Submission:

Labcorp Genetics (formerly Invitae), Labcorp
Classification: Uncertain significance for Arrhythmogenic right ventricular dysplasia 10. Last evaluated: 2025-04-23. Review status: criteria provided, single submitter. Criteria: Invitae Variant Classification Sherloc (09022015). Collection method: clinical testing. Allele origin: germline.
Comment: This sequence change replaces glycine, which is neutral and non-polar, with cysteine, which is neutral and slightly polar, at codon 997 of the DSG2 protein (p.Gly997Cys). This variant is not present in population databases (gnomAD no frequency). This variant has not been reported in the literature in individuals affected with DSG2-related conditions. ClinVar contains an entry for this variant (Variation ID: 1476239). Invitae Evidence Modeling of protein sequence and biophysical properties (such as structural, functional, and spatial information, amino acid conservation, physicochemical variation, residue mobility, and thermodynamic stability) has been performed for this missense variant. However, the output from this modeling did not meet the statistical confidence thresholds required to predict the impact of this variant on DSG2 protein function. In summary, the available evidence is currently insufficient to determine the role of this variant in disease. Therefore, it has been classified as a Variant of Uncertain Significance.

NM_001943.5(DSG2):c.2989G>T (p.Gly997Cys)

Genes: DSG2 (desmoglein 2; plus strand), DSG2-AS1 (DSG2 antisense RNA 1; minus strand). Cytogenetic location: 18q12.1.
Variant type: single nucleotide variant.
Coding change: c.2989G>T on transcript NM_001943.5 (MANE Select); coding-DNA position 2989, G replaced by T.
Protein change: p.Gly997Cys; replaces glycine 997 with cysteine.
Molecular consequence: missense variant.
Genome position (GRCh38, 1-based): chr18:31,546,375, G>T. VCF-style: chr18-31546375-G-T. GRCh37 (hg19) VCF-style: chr18-29126338-G-T.
Other names: short protein forms G997C.
Identifiers: ClinVar variation 1476239 (VCV001476239.6), dbSNP rs1203880394, ClinGen allele CA402147675.